The following is an entry in ClinVar:

ClinVar aggregate classification (germline): Pathogenic (1 of 4 stars; one submission).

Submission:

Labcorp Genetics (formerly Invitae), Labcorp
Classification: Pathogenic. Last evaluated: 2022-06-27. Review status: criteria provided, single submitter. Criteria: Invitae Variant Classification Sherloc (09022015). Collection method: clinical testing. Allele origin: germline.
Comment: For these reasons, this variant has been classified as Pathogenic. This variant has not been reported in the literature in individuals affected with BMP2-related conditions. This variant is not present in population databases (gnomAD no frequency). This sequence change creates a premature translational stop signal (p.Glu48*) in the BMP2 gene. It is expected to result in an absent or disrupted protein product. Loss-of-function variants in BMP2 are known to be pathogenic (PMID: 29198724).

Literature cited by the submitters: PubMed 29198724.

NM_001200.4(BMP2):c.142G>T (p.Glu48Ter)

Gene: BMP2 (bone morphogenetic protein 2; plus strand). Cytogenetic location: 20p12.3.
Variant type: single nucleotide variant.
Coding change: c.142G>T on transcript NM_001200.4 (MANE Select); coding-DNA position 142, G replaced by T.
Protein change: p.Glu48Ter; replaces glutamic acid 48 with a stop codon.
Molecular consequence: nonsense.
Genome position (GRCh38, 1-based): chr20:6,770,268, G>T. VCF-style: chr20-6770268-G-T. GRCh37 (hg19) VCF-style: chr20-6750915-G-T.
Other names: short protein forms E48*.
Identifiers: ClinVar variation 1451444 (VCV001451444.6), dbSNP rs1343341933, ClinGen allele CA408260317.